The following is an entry in ClinVar:

ClinVar aggregate classification (germline): Conflicting classifications of pathogenicity. Review status: criteria provided, conflicting classifications (1 of 4 stars). 2 submissions from 2 submitters: Uncertain significance (1); Likely benign (1). Last evaluated 2025-01-03.

Conditions:
Hereditary cancer-predisposing syndrome. Also called: Hereditary Cancer Syndrome; Hereditary neoplastic syndrome; Tumor predisposition; Neoplastic Syndromes, Hereditary. Identifiers: Orphanet 140162, MedGen C0027672, MeSH D009386, MONDO:0015356.
EGFR-related lung cancer (EGFR). Identifiers: MedGen CN130014.

Allele frequency attached by ClinVar (database versions not stated): gnomAD exomes below 0.00001.
gnomAD v4.1: 1 of 1,516,624 alleles (0.000066%); highest among the groups gnomAD compares: Non-Finnish European, 0.000089%; no homozygotes.

Submissions (2):

Ambry Genetics
Classification: Likely benign for Hereditary cancer-predisposing syndrome. Last evaluated: 2025-01-03. Review status: criteria provided, single submitter. Criteria: Ambry Variant Classification Scheme 2023. Collection method: clinical testing. Allele origin: germline.

Labcorp Genetics (formerly Invitae), Labcorp
Classification: Uncertain significance for EGFR-related lung cancer. Last evaluated: 2022-11-10. Review status: criteria provided, single submitter. Criteria: Invitae Variant Classification Sherloc (09022015). Collection method: clinical testing. Allele origin: germline.
Comment: Algorithms developed to predict the effect of missense changes on protein structure and function output the following: SIFT: "Tolerated"; PolyPhen-2: "Benign"; Align-GVGD: "Class C0". The threonine amino acid residue is found in multiple mammalian species, which suggests that this missense change does not adversely affect protein function. This sequence change replaces alanine, which is neutral and non-polar, with threonine, which is neutral and polar, at codon 9 of the EGFR protein (p.Ala9Thr). This variant is not present in population databases (gnomAD no frequency). This variant has not been reported in the literature in individuals affected with EGFR-related conditions. In summary, the available evidence is currently insufficient to determine the role of this variant in disease. Therefore, it has been classified as a Variant of Uncertain Significance.

NM_005228.5(EGFR):c.25G>A (p.Ala9Thr)

Gene: EGFR (epidermal growth factor receptor; plus strand). Cytogenetic location: 7p11.2.
Variant type: single nucleotide variant.
Coding change: c.25G>A on transcript NM_005228.5 (MANE Select); coding-DNA position 25, G replaced by A.
Protein change: p.Ala9Thr; replaces alanine 9 with threonine.
Molecular consequence: missense variant.
Genome position (GRCh38, 1-based): chr7:55,019,302, G>A. VCF-style: chr7-55019302-G-A. GRCh37 (hg19) VCF-style: chr7-55086995-G-A.
Other names: c.25G>A, p.Ala9Thr (NM_001346897.2, NM_001346898.2, NM_001346899.2 and 4 more transcripts); short protein forms A9T.
Identifiers: ClinVar variation 2900471 (VCV002900471.4), dbSNP rs2128853368, ClinGen allele CA367611200.